The following is an entry in ClinVar:

NM_013432.5(TONSL):c.24C>T (p.Arg8=)

Genes: TONSL (tonsoku like, DNA repair protein; minus strand), LOC130001399 (ATAC-STARR-seq lymphoblastoid silent region 19685; plus strand). Cytogenetic location: 8q24.3.
Variant type: single nucleotide variant.
Coding change: c.24C>T on transcript NM_013432.5 (MANE Select); coding-DNA position 24, C replaced by T.
Protein change: p.Arg8=; no amino-acid change (arginine 8 retained).
Molecular consequence: synonymous variant.
Genome position (GRCh38, 1-based): chr8:144,444,391, G>A on the plus strand (C>T on the coding strand, the complement: TONSL is on the minus strand). VCF-style: chr8-144444391-G-A. GRCh37 (hg19) VCF-style: chr8-145669774-G-A.
Identifiers: ClinVar variation 1994871 (VCV001994871.4), dbSNP rs1296590707, ClinGen allele CA463453333.

ClinVar aggregate classification (germline): Uncertain significance (1 of 4 stars; one submission).

Allele frequency attached by ClinVar (database versions not stated): gnomAD exomes below 0.00001.
gnomAD v4.1: 1 of 1,272,398 alleles (0.000079%); highest among the groups gnomAD compares: Non-Finnish European, 0.000099%; no homozygotes.

Submission:

Labcorp Genetics (formerly Invitae), Labcorp
Classification: Uncertain significance. Last evaluated: 2022-06-04. Review status: criteria provided, single submitter. Criteria: Invitae Variant Classification Sherloc (09022015). Collection method: clinical testing. Allele origin: germline.
Comment: In summary, the available evidence is currently insufficient to determine the role of this variant in disease. Therefore, it has been classified as a Variant of Uncertain Significance. Algorithms developed to predict the effect of sequence changes on RNA splicing suggest that this variant is not likely to affect RNA splicing. This variant has not been reported in the literature in individuals affected with TONSL-related conditions. This variant is not present in population databases (gnomAD no frequency). This sequence change affects codon 8 of the TONSL mRNA. It is a 'silent' change, meaning that it does not change the encoded amino acid sequence of the TONSL protein. It affects a nucleotide within the consensus splice site.